The following is an entry in ClinVar:

ClinVar aggregate classification (germline): Uncertain significance (1 of 4 stars; one submission).

Conditions:
Myofibrillar myopathy 4. Also called: Zaspopathy (type). Identifiers: Orphanet 98912, MedGen C4721886, MONDO:0012277, OMIM 609452.

Submission:

Labcorp Genetics (formerly Invitae), Labcorp
Classification: Uncertain significance for Myofibrillar myopathy 4. Last evaluated: 2025-10-18. Review status: criteria provided, single submitter. Criteria: Invitae Variant Classification Sherloc (09022015). Collection method: clinical testing. Allele origin: germline.
Comment: The LDB3 gene has multiple clinically relevant transcripts. This variant occurs in alternate transcript NM_007078.3, and corresponds to NM_001080116.1:c.*18770G>T in the primary transcript. This sequence change affects codon 619 of the LDB3 mRNA. It is a 'silent' change, meaning that it does not change the encoded amino acid sequence of the LDB3 protein. This variant also falls at the last nucleotide of exon 11, which is part of the consensus splice site for this exon. This variant is not present in population databases (gnomAD no frequency). This variant has not been reported in the literature in individuals affected with LDB3-related conditions. Variants that disrupt the consensus splice site are a relatively common cause of aberrant splicing (PMID: 17576681, 9536098). Experimental studies and prediction algorithms are not available or were not evaluated, and the effect of this variant on mRNA splicing is currently unknown. In summary, the available evidence is currently insufficient to determine the role of this variant in disease. Therefore, it has been classified as a Variant of Uncertain Significance.

Literature cited by the submitters: PubMed 17576681; PubMed 9536098.

NM_007078.3(LDB3):c.1857G>T (p.Gly619=)

Gene: LDB3 (LIM domain binding 3; plus strand). Cytogenetic location: 10q23.2.
Variant type: single nucleotide variant.
Coding change: c.1857G>T on transcript NM_007078.3 (MANE Select); coding-DNA position 1857, G replaced by T.
Protein change: p.Gly619=; no amino-acid change (glycine 619 retained).
Molecular consequence: synonymous variant.
Genome position (GRCh38, 1-based): chr10:86,718,144, G>T. VCF-style: chr10-86718144-G-T. GRCh37 (hg19) VCF-style: chr10-88477901-G-T.
Other names: c.1527G>T, p.Gly509= (NM_001080114.2); c.1872G>T, p.Gly624= (NM_001171610.2); c.1668G>T, p.Gly556= (NM_001368064.1, NM_001368065.1); c.1716G>T, p.Gly572= (NM_001368066.1).
Identifiers: ClinVar variation 2099385 (VCV002099385.4), dbSNP rs2492816855, ClinGen allele CA470308860.
Genomic context (GRCh38, chr10:86,718,144, plus strand): 5'-GCGATGTTATGAGCAATTCTTTGCCCCGCTGTGTGCCAAGTGCAACACCAAAATTATGGG[G>T]GTAAGTGGGAGGCCTCCATTTCCTCTGACCCATGTCTCTTCCCCAGCCCTTCCCCAAGAT-3'
Protein context (NP_009009.1, residues 609-629): LCAKCNTKIM[Gly619=]EVMHALRQTW